The following is an entry in ClinVar:

NM_001374736.1(DST):c.22811G>A (p.Gly7604Asp)

Gene: DST (dystonin; minus strand). Cytogenetic location: 6p12.1.
Variant type: single nucleotide variant.
Coding change: c.22811G>A on transcript NM_001374736.1 (MANE Select); coding-DNA position 22811, G replaced by A.
Protein change: p.Gly7604Asp; replaces glycine 7604 with aspartic acid.
Molecular consequence: missense variant.
Genome position (GRCh38, 1-based): chr6:56,463,713, C>T on the plus strand (G>A on the coding strand, the complement: DST is on the minus strand). VCF-style: chr6-56463713-C-T. GRCh37 (hg19) VCF-style: chr6-56328511-C-T.
Other names: c.16382G>A, p.Gly5461Asp (NM_001144769.5); c.15968G>A, p.Gly5323Asp (NM_001144770.2); c.22739G>A, p.Gly7580Asp (NM_001374722.1); c.21851G>A, p.Gly7284Asp (NM_001374729.1); c.15593G>A, p.Gly5198Asp (NM_001374730.1); c.22766G>A, p.Gly7589Asp (NM_001374734.1); c.15830G>A, p.Gly5277Asp (NM_001386100.1); c.14870G>A, p.Gly4957Asp (NM_015548.5); and 1 more; short protein forms G7580D, G7589D, G4957D, G5283D, G7284D, G5323D, G5461D, G7604D.
Identifiers: ClinVar variation 1415976 (VCV001415976.5), dbSNP rs1477320329, ClinGen allele CA364505000.

ClinVar aggregate classification (germline): Uncertain significance. Review status: criteria provided, multiple submitters, no conflicts (2 of 4 stars). 2 submissions from 2 submitters: Uncertain significance (2). Last evaluated 2021-12-18.

Conditions:
Inborn genetic diseases. Identifiers: MedGen C0950123, MeSH D030342.
Hereditary sensory and autonomic neuropathy type 6. Also called: HSAN VI; Neuropathy, hereditary sensory and autonomic, type VI. Identifiers: Orphanet 314381, MedGen C3539003, MONDO:0013839, OMIM 614653.
Epidermolysis bullosa simplex 3, localized or generalized intermediate, with BP230 deficiency (EBS3). Also called: Epidermolysis bullosa simplex, autosomal recessive 2; Epidermolysis bullosa simplex due to BP230 deficiency. Identifiers: Orphanet 412181, MedGen C3809470, MONDO:0014180, OMIM 615425.

Allele frequency attached by ClinVar (database versions not stated): gnomAD 0.00003; TOPMed 0.00003.
gnomAD v4.1: 6 of 1,613,880 alleles (0.00037%); highest among the groups gnomAD compares: Admixed American, 0.005%; no homozygotes.

Submissions (2):

Labcorp Genetics (formerly Invitae), Labcorp
Classification: Uncertain significance for Epidermolysis bullosa simplex 3, localized or generalized intermediate, with BP230 deficiency; Hereditary sensory and autonomic neuropathy type 6. Last evaluated: 2021-12-18. Review status: criteria provided, single submitter. Criteria: Invitae Variant Classification Sherloc (09022015). Collection method: clinical testing. Allele origin: germline.
Comment: The DST gene has multiple clinically relevant transcripts. This variant occurs in alternate transcript NM_015548.4, and corresponds to NM_001723.5:c.*151804G>A in the primary transcript. This sequence change replaces glycine, which is neutral and non-polar, with aspartic acid, which is acidic and polar, at codon 4957 of the DST protein (p.Gly4957Asp). This variant is present in population databases (no rsID available, gnomAD 0.01%). This variant has not been reported in the literature in individuals affected with DST-related conditions. Experimental studies and prediction algorithms are not available or were not evaluated, and the functional significance of this variant is currently unknown. In summary, the available evidence is currently insufficient to determine the role of this variant in disease. Therefore, it has been classified as a Variant of Uncertain Significance.

Ambry Genetics
Classification: Uncertain significance for Inborn genetic diseases. Last evaluated: 2020-02-26. Review status: criteria provided, single submitter. Criteria: Ambry Variant Classification Scheme 2023. Collection method: clinical testing. Allele origin: germline.
Comment: The p.G5461D variant (also known as p.G4957D or c.16382G>A), located in coding exon 94 of the DST gene, results from a G to A substitution at nucleotide position 16382. The glycine at codon 5461 is replaced by aspartic acid, an amino acid with similar properties. This amino acid position is highly conserved in available vertebrate species. In addition, this alteration is predicted to be deleterious by in silico analysis. Since supporting evidence is limited at this time, the clinical significance of this alteration remains unclear.